The following is an entry in ClinVar:

ClinVar aggregate classification (germline): Uncertain significance (1 of 4 stars; one submission).

Submission:

Labcorp Genetics (formerly Invitae), Labcorp
Classification: Uncertain significance. Last evaluated: 2024-04-17. Review status: criteria provided, single submitter. Criteria: Invitae Variant Classification Sherloc (09022015). Collection method: clinical testing. Allele origin: germline.
Comment: This sequence change replaces arginine, which is basic and polar, with isoleucine, which is neutral and non-polar, at codon 466 of the SCLT1 protein (p.Arg466Ile). Information on the frequency of this variant in the gnomAD database is not available, as this variant may be reported differently in the database. This variant has not been reported in the literature in individuals affected with SCLT1-related conditions. ClinVar contains an entry for this variant (Variation ID: 1390208). An algorithm developed to predict the effect of missense changes on protein structure and function (PolyPhen-2) suggests that this variant is likely to be disruptive. In summary, the available evidence is currently insufficient to determine the role of this variant in disease. Therefore, it has been classified as a Variant of Uncertain Significance.

NM_144643.4(SCLT1):c.1397_1398delinsTT (p.Arg466Ile)

Gene: SCLT1 (sodium channel and clathrin linker 1; minus strand). Cytogenetic location: 4q28.2.
Variant type: Indel.
Coding change: c.1397_1398delinsTT on transcript NM_144643.4 (MANE Select); coding-DNA positions 1397 to 1398, GA replaced by TT.
Protein change: p.Arg466Ile; replaces arginine 466 with isoleucine.
Molecular consequence: missense variant.
Genome position (GRCh38, 1-based): chr4:128,946,048-128,946,049, TC replaced by AA on the plus strand (GA replaced by TT on the coding strand, the reverse complement: SCLT1 is on the minus strand). VCF-style: chr4-128946048-TC-AA. GRCh37 (hg19) VCF-style: chr4-129867203-TC-AA.
Other names: short protein forms R466I.
Identifiers: ClinVar variation 1390208 (VCV001390208.6), dbSNP rs2125993309, ClinGen allele CA2573138053.